The following is an entry in ClinVar:

NC_000007.13:g.(146536997_146740998)_(146997383_147092700)del

Gene: CNTNAP2 (contactin associated protein 2; plus strand). Cytogenetic location: 7q35.
Variant type: Deletion.
Identifiers: ClinVar variation 3902654 (VCV003902654.1).

ClinVar aggregate classification (germline): Pathogenic (1 of 4 stars; one submission).

Conditions:
Autism, susceptibility to, 15. Also called: Autism susceptibility 15. Identifiers: MedGen C2677504, MONDO:0012801, OMIM 612100.

Submission:

Women's Health and Genetics/Laboratory Corporation of America, LabCorp
Classification: Pathogenic for Autism, susceptibility to, 15. Last evaluated: 2025-05-27. Review status: criteria provided, single submitter. Criteria: LabCorp Variant Classification Summary - May 2015. Collection method: clinical testing. Allele origin: germline.
Comment: Variant summary: The variant involves the deletion of exons 4-9 in the CNTNAP2 gene. A presumed nomenclature of c.(402+1_403-1)_(1498+1_1499-1)del has been designated for the purposes of this classification. This Copy Number Variant (CNV) is expected to alter the reading frame and predicted to result in a truncation or absence of the encoded protein due to nonsense mediated decay (NMD). The variant allele was found at a frequency of 4.6e-05 in 21694 control chromosomes. To our knowledge, no occurrence of c.(402+1_403-1)_(1498+1_1499-1)del in individuals affected with Autism, Susceptibility To, 15 and no experimental evidence demonstrating its impact on protein function have been reported. ClinVar contains an entry for this variant (Variation ID: 3062950). Based on the evidence outlined above, the variant was classified as pathogenic.